The following is an entry in ClinVar:

NM_006904.7(PRKDC):c.1529C>T (p.Ala510Val)

Gene: PRKDC (protein kinase, DNA-activated, catalytic subunit; minus strand). Cytogenetic location: 8q11.21.
Variant type: single nucleotide variant.
Coding change: c.1529C>T on transcript NM_006904.7 (MANE Select); coding-DNA position 1529, C replaced by T.
Protein change: p.Ala510Val; replaces alanine 510 with valine.
Molecular consequence: missense variant.
Genome position (GRCh38, 1-based): chr8:47,934,059, G>A on the plus strand (C>T on the coding strand, the complement: PRKDC is on the minus strand). VCF-style: chr8-47934059-G-A. GRCh37 (hg19) VCF-style: chr8-48846619-G-A.
Other names: c.1529C>T, p.Ala510Val (NM_001081640.2); short protein forms A510V.
Identifiers: ClinVar variation 1005282 (VCV001005282.9), dbSNP rs1408325203, ClinGen allele CA371165450.
Genomic context (GRCh38, chr8:47,934,059, plus strand): 5'-AGATCCACGTAGTCTTTGTATGTGGGCACCTTCCATTTGCCAGTTCTGACTTCCCCTGAA[G>A]CACGGTGGTCTTCAGATTCAGACTCAGGGCCCTGGCCAGAAAGACAGCATGACAATATGT-3'
Protein context (NP_008835.5, residues 500-520): GPESESEDHR[Ala510Val]SGEVRTGKWK

ClinVar aggregate classification (germline): Uncertain significance. Review status: criteria provided, multiple submitters, no conflicts (2 of 4 stars). 2 submissions from 2 submitters: Uncertain significance (2). Last evaluated 2025-01-15.

Conditions:
Severe combined immunodeficiency due to DNA-PKcs deficiency. Also called: IMMUNODEFICIENCY 26 WITH NEUROLOGIC ABNORMALITIES; Immunodeficiency 26 with or without neurologic abnormalities. Identifiers: Orphanet 317425, MedGen C4014833, MONDO:0014423, OMIM 615966.

Allele frequency attached by ClinVar (database versions not stated): gnomAD 0.00001.
gnomAD v4.1: 2 of 1,613,640 alleles (0.00012%); highest among the groups gnomAD compares: Admixed American, 0.0017%; no homozygotes.

Submissions (2):

Labcorp Genetics (formerly Invitae), Labcorp
Classification: Uncertain significance for Severe combined immunodeficiency due to DNA-PKcs deficiency. Last evaluated: 2025-01-15. Review status: criteria provided, single submitter. Criteria: Invitae Variant Classification Sherloc (09022015). Collection method: clinical testing. Allele origin: germline.
Comment: This sequence change replaces alanine, which is neutral and non-polar, with valine, which is neutral and non-polar, at codon 510 of the PRKDC protein (p.Ala510Val). This variant is present in population databases (no rsID available, gnomAD 0.1%). This variant has not been reported in the literature in individuals affected with PRKDC-related conditions. ClinVar contains an entry for this variant (Variation ID: 1005282). Invitae Evidence Modeling of protein sequence and biophysical properties (such as structural, functional, and spatial information, amino acid conservation, physicochemical variation, residue mobility, and thermodynamic stability) indicates that this missense variant is not expected to disrupt PRKDC protein function with a negative predictive value of 80%. In summary, the available evidence is currently insufficient to determine the role of this variant in disease. Therefore, it has been classified as a Variant of Uncertain Significance.

Ambry Genetics
Classification: Uncertain significance. Last evaluated: 2022-06-03. Review status: criteria provided, single submitter. Criteria: Ambry Variant Classification Scheme 2023. Collection method: clinical testing. Allele origin: germline.
Comment: The p.A510V variant (also known as c.1529C>T), located in coding exon 15 of the PRKDC gene, results from a C to T substitution at nucleotide position 1529. The alanine at codon 510 is replaced by valine, an amino acid with similar properties. This amino acid position is conserved. In addition, this alteration is predicted to be tolerated by in silico analysis. Since supporting evidence is limited at this time, the clinical significance of this alteration remains unclear.